The following is an entry in ClinVar:

NM_152415.3(VPS37A):c.969+6A>G

Gene: VPS37A (VPS37A subunit of ESCRT-I; plus strand). Cytogenetic location: 8p22.
Variant type: single nucleotide variant.
Coding change: c.969+6A>G on transcript NM_152415.3 (MANE Select); 6 bases into the intron after coding-DNA position 969, A replaced by G.
Molecular consequence: intron variant.
Genome position (GRCh38, 1-based): chr8:17,280,449, A>G. VCF-style: chr8-17280449-A-G. GRCh37 (hg19) VCF-style: chr8-17137958-A-G.
Other names: c.681+6A>G (NM_001363172.2, NM_001363170.1, NM_001363171.1); c.969+6A>G (NM_001363173.2); c.699+6A>G (NM_001363168.1, NM_001363169.1); c.951+6A>G (NM_001363167.1); c.894+6A>G (NM_001145152.2).
Identifiers: ClinVar variation 640364 (VCV000640364.7), dbSNP rs757678084, ClinGen allele CA172953516.

ClinVar aggregate classification (germline): Uncertain significance (1 of 4 stars; one submission).

Conditions:
Hereditary spastic paraplegia 53. Also called: Spastic paraplegia 53, autosomal recessive. Identifiers: Orphanet 319199, MedGen C3539494, MONDO:0013962, OMIM 614898.

Allele frequency attached by ClinVar (database versions not stated): gnomAD 0.00001 and 0.00003; TOPMed 0.00004.
gnomAD v4.1: 78 of 1,587,318 alleles (0.0049%); highest among the groups gnomAD compares: Non-Finnish European, 0.0061%; no homozygotes.

Submission:

Labcorp Genetics (formerly Invitae), Labcorp
Classification: Uncertain significance for Hereditary spastic paraplegia 53. Last evaluated: 2022-03-28. Review status: criteria provided, single submitter. Criteria: Invitae Variant Classification Sherloc (09022015). Collection method: clinical testing. Allele origin: germline.
Comment: ClinVar contains an entry for this variant (Variation ID: 640364). In summary, the available evidence is currently insufficient to determine the role of this variant in disease. Therefore, it has been classified as a Variant of Uncertain Significance. Variants that disrupt the consensus splice site are a relatively common cause of aberrant splicing (PMID: 17576681, 9536098). Algorithms developed to predict the effect of sequence changes on RNA splicing suggest that this variant is not likely to affect RNA splicing. This variant has not been reported in the literature in individuals affected with VPS37A-related conditions. The frequency data for this variant in the population databases is considered unreliable, as metrics indicate poor data quality at this position in the gnomAD database. This sequence change falls in intron 9 of the VPS37A gene. It does not directly change the encoded amino acid sequence of the VPS37A protein. It affects a nucleotide within the consensus splice site.

Literature cited by the submitters: PubMed 17576681; PubMed 9536098.